The following is an entry in ClinVar:

NM_005188.4(CBL):c.901G>C (p.Gly301Arg)

Gene: CBL (Cbl proto-oncogene; plus strand). Cytogenetic location: 11q23.3.
Variant type: single nucleotide variant.
Coding change: c.901G>C on transcript NM_005188.4 (MANE Select); coding-DNA position 901, G replaced by C.
Protein change: p.Gly301Arg; replaces glycine 301 with arginine.
Molecular consequence: missense variant.
Genome position (GRCh38, 1-based): chr11:119,276,028, G>C. VCF-style: chr11-119276028-G-C. GRCh37 (hg19) VCF-style: chr11-119146738-G-C.
Other names: short protein forms G301R.
Identifiers: ClinVar variation 4868206 (VCV004868206.1).

ClinVar aggregate classification (germline): Uncertain significance (1 of 4 stars; one submission).

Conditions:
Cardiovascular phenotype. Identifiers: MedGen CN230736.

Submission:

Ambry Genetics
Classification: Uncertain significance for Cardiovascular phenotype. Last evaluated: 2026-03-24. Review status: criteria provided, single submitter. Criteria: Ambry Variant Classification Scheme 2023. Collection method: clinical testing. Allele origin: germline.
Comment: The p.G301R variant (also known as c.901G>C), located in coding exon 6 of the CBL gene, results from a G to C substitution at nucleotide position 901. The glycine at codon 301 is replaced by arginine, an amino acid with dissimilar properties. This amino acid position is conserved. In addition, this alteration is predicted to be deleterious by in silico analysis. Based on the available evidence, the clinical significance of this variant remains unclear.